The following is an entry in ClinVar:

ClinVar aggregate classification (germline): Benign. Review status: criteria provided, multiple submitters, no conflicts (2 of 4 stars). 3 submissions from 3 submitters: Benign (3). Last evaluated 2024-07-15.

Allele frequency attached by ClinVar (database versions not stated): ESP Exome Variant Server 0.09470; gnomAD 0.09994 and 0.10081; TOPMed 0.10396; 1000 Genomes Project 0.10503; 1000 Genomes Project 30x 0.10775; ExAC 0.11071; gnomAD exomes 0.11394.
gnomAD v4.1: 166,851 of 1,608,876 alleles (10%); highest among the groups gnomAD compares: Admixed American, 18%; 9,193 homozygotes.

Submissions (3):

Unidad de Genómica Garrahan, Hospital de Pediatría Garrahan
Classification: Benign. Last evaluated: 2024-07-15. Review status: criteria provided, single submitter. Criteria: ACMG Guidelines, 2015. Collection method: clinical testing. Allele origin: germline. Affected: no. Observed: 22 variant alleles.
Comment: This variant is classified as Benign based on local population frequency. This variant was detected in 24% of patients studied in a panel designed for Epileptic and Developmental Encephalopathy and Progressive Myoclonus Epilepsy. Number of patients: 22. Only high quality variants are reported.

GeneDx
Classification: Benign. Last evaluated: 2021-05-11. Review status: criteria provided, single submitter. Criteria: GeneDx Variant Classification Process June 2021. Collection method: clinical testing. Allele origin: germline. Affected: yes.

Breakthrough Genomics
Classification: Benign. Review status: criteria provided, single submitter. Criteria: ACMG Guidelines, 2015. Collection method: not provided. Allele origin: germline. Inheritance: Autosomal dominant inheritance. Affected: yes.

NM_005235.3(ERBB4):c.1872-98T>C

Gene: ERBB4 (erb-b2 receptor tyrosine kinase 4; minus strand). Cytogenetic location: 2q34.
Variant type: single nucleotide variant.
Coding change: c.1872-98T>C on transcript NM_005235.3 (MANE Select); 98 bases into the intron before coding-DNA position 1872, T replaced by C.
Molecular consequence: intron variant.
Genome position (GRCh38, 1-based): chr2:211,657,926, A>G on the plus strand (T>C on the coding strand, the complement: ERBB4 is on the minus strand). VCF-style: chr2-211657926-A-G. GRCh37 (hg19) VCF-style: chr2-212522651-A-G.
Other names: c.1872-98T>C (NM_001042599.2); c.1916+24T>C (NM_001439006.1, NM_001439005.1).
Identifiers: ClinVar variation 1266882 (VCV001266882.5), dbSNP rs34621071, ClinGen allele CA2087966.